The following is an entry in ClinVar:

ClinVar aggregate classification (germline): Benign. Review status: criteria provided, multiple submitters, no conflicts (2 of 4 stars). 2 submissions from 2 submitters: Benign (2). Last evaluated 2018-06-14.

Allele frequency attached by ClinVar (database versions not stated): gnomAD 0.62441 and 0.62739; 1000 Genomes Project 30x 0.65881; gnomAD exomes 1.00000; 1000 Genomes Project 0.66514; TOPMed 0.62083.

Submissions (2):

GeneDx
Classification: Benign. Last evaluated: 2018-06-14. Review status: criteria provided, single submitter. Criteria: GeneDx Variant Classification (06012015). Collection method: clinical testing. Allele origin: germline. Affected: yes.
Comment: This variant is considered likely benign or benign based on one or more of the following criteria: it is a conservative change, it occurs at a poorly conserved position in the protein, it is predicted to be benign by multiple in silico algorithms, and/or has population frequency not consistent with disease.

Breakthrough Genomics
Classification: Benign. Review status: criteria provided, single submitter. Criteria: ACMG Guidelines, 2015. Collection method: not provided. Allele origin: germline. Inheritance: Autosomal recessive inheritance. Affected: yes.

NM_000016.4(ACADM):c.-728C>G

Gene: ACADM (acyl-CoA dehydrogenase medium chain; plus strand). Cytogenetic location: 1p31.1.
Variant type: single nucleotide variant.
Coding change: c.-728C>G on transcript NM_000016.4; 728 bases upstream of the start codon, C replaced by G.
Genome position (GRCh38, 1-based): chr1:75,724,060, C>G. VCF-style: chr1-75724060-C-G. GRCh37 (hg19) VCF-style: chr1-76189745-C-G.
Identifiers: ClinVar variation 682747 (VCV000682747.4), dbSNP rs1251077, ClinGen allele CA10729817.